The following is an entry in ClinVar:

NM_004415.4(DSP):c.2411T>C (p.Val804Ala)

Gene: DSP (desmoplakin; plus strand). Cytogenetic location: 6p24.3.
Variant type: single nucleotide variant.
Coding change: c.2411T>C on transcript NM_004415.4 (MANE Select); coding-DNA position 2411, T replaced by C.
Protein change: p.Val804Ala; replaces valine 804 with alanine.
Molecular consequence: missense variant.
Genome position (GRCh38, 1-based): chr6:7,574,770, T>C. VCF-style: chr6-7574770-T-C. GRCh37 (hg19) VCF-style: chr6-7575003-T-C.
Other names: c.2411T>C, p.Val804Ala (NM_001008844.3, NM_001319034.2); short protein forms V804A.
Identifiers: ClinVar variation 2656213 (VCV002656213.27), dbSNP rs1561693169, ClinGen allele CA362681265.
Genomic context (GRCh38, chr6:7,574,770, plus strand): 5'-TAAAGGTTTATGAAGCCAGGCTCACTGAGGAGGAAACTGTCTGCCTGGACCTGGATAAAG[T>C]GGAAGCTTACCGCTGTGGACTGAAGGTAACTTGAAAGCTTATAACAGTGGCCCAACTTAC-3'
Protein context (NP_004406.2, residues 794-814): EETVCLDLDK[Val804Ala]EAYRCGLKKI

ClinVar aggregate classification (germline): Uncertain significance. Review status: criteria provided, multiple submitters, no conflicts (2 of 4 stars). 3 submissions from 3 submitters: Uncertain significance (3). Last evaluated 2025-01-01.

Conditions:
Arrhythmogenic cardiomyopathy with wooly hair and keratoderma. Also called: PALMOPLANTAR KERATODERMA WITH LEFT VENTRICULAR CARDIOMYOPATHY AND WOOLLY HAIR; Carvajal syndrome; Dilated cardiomyopathy with woolly hair and keratoderma; Arrhythmogenic cardiomyopathy with woolly hair and keratoderma. Identifiers: Orphanet 65282, MedGen C1854063, MONDO:0011581, OMIM 605676.
Arrhythmogenic right ventricular dysplasia 8 (ARVD8). Also called: Arrhythmogenic Right Ventricular Dysplasia/Cardiomyopathy 8; ARRHYTHMOGENIC RIGHT VENTRICULAR DYSPLASIA, FAMILIAL, 8; ARRHYTHMOGENIC RIGHT VENTRICULAR CARDIOMYOPATHY 8. Identifiers: MedGen C1843896, MONDO:0011831, OMIM 607450.

Allele frequency attached by ClinVar (database versions not stated): gnomAD 0.00001; gnomAD exomes 0.00001.
gnomAD v4.1: 9 of 1,614,034 alleles (0.00056%); highest among the groups gnomAD compares: Non-Finnish European, 0.00068%; no homozygotes.

Submissions (3):

Labcorp Genetics (formerly Invitae), Labcorp
Classification: Uncertain significance for Arrhythmogenic cardiomyopathy with wooly hair and keratoderma; Arrhythmogenic right ventricular dysplasia 8. Last evaluated: 2025-01-01. Review status: criteria provided, single submitter. Criteria: Invitae Variant Classification Sherloc (09022015). Collection method: clinical testing. Allele origin: germline.
Comment: This sequence change replaces valine, which is neutral and non-polar, with alanine, which is neutral and non-polar, at codon 804 of the DSP protein (p.Val804Ala). This variant is not present in population databases (gnomAD no frequency). This variant has not been reported in the literature in individuals affected with DSP-related conditions. ClinVar contains an entry for this variant (Variation ID: 2656213). An algorithm developed to predict the effect of missense changes on protein structure and function (PolyPhen-2) suggests that this variant¬¨‚Ä†is likely to be tolerated. In summary, the available evidence is currently insufficient to determine the role of this variant in disease. Therefore, it has been classified as a Variant of Uncertain Significance.

All of Us Research Program, National Institutes of Health
Classification: Uncertain significance for Arrhythmogenic cardiomyopathy with wooly hair and keratoderma. Last evaluated: 2023-12-13. Review status: criteria provided, single submitter. Criteria: ACMG Guidelines, 2015. Collection method: clinical testing. Allele origin: germline. Inheritance: Autosomal dominant inheritance. Observed: 1 variant allele, 1 heterozygote.
Comment: This missense variant replaces valine with alanine at codon 804 of the DSP protein. Computational prediction is inconclusive regarding the impact of this variant on protein structure and function (internally defined REVEL score threshold 0.5 < inconclusive < 0.7, PMID: 27666373). To our knowledge, functional studies have not been reported for this variant. This variant has not been reported in individuals affected with DSP-related disorders in the literature. This variant has been identified in 1/31410 chromosomes in the general population by the Genome Aggregation Database (gnomAD). The available evidence is insufficient to determine the role of this variant in disease conclusively. Therefore, this variant is classified as a Variant of Uncertain Significance.

This study involves interpretation of variants in research participants for the purpose of population health screening. Participant phenotype was not available at the time of variant classification. Additional details can be found in publication PMID: 35346344, PMCID: PMC8962531

CeGaT Center for Human Genetics Tuebingen
Classification: Uncertain significance. Last evaluated: 2022-09-01. Review status: criteria provided, single submitter. Criteria: CeGaT Center For Human Genetics Tuebingen Variant Classification Criteria Version 2. Collection method: clinical testing. Allele origin: germline. Affected: yes. Observed: 1 variant allele.
Comment: DSP: PM2, BP4